The following is an entry in ClinVar:

NM_000193.4(SHH):c.587G>A (p.Gly196Glu)

Gene: SHH (sonic hedgehog signaling molecule; minus strand). Cytogenetic location: 7q36.3.
Variant type: single nucleotide variant.
Coding change: c.587G>A on transcript NM_000193.4 (MANE Select); coding-DNA position 587, G replaced by A.
Protein change: p.Gly196Glu; replaces glycine 196 with glutamic acid.
Molecular consequence: missense variant. On other transcripts: intron variant (1).
Genome position (GRCh38, 1-based): chr7:155,803,702, C>T on the plus strand (G>A on the coding strand, the complement: SHH is on the minus strand). VCF-style: chr7-155803702-C-T. GRCh37 (hg19) VCF-style: chr7-155596396-C-T.
Other names: c.301+2594G>A (NM_001310462.2); short protein forms G196E.
Identifiers: ClinVar variation 3161689 (VCV003161689.2), dbSNP rs752650571, ClinGen allele CA4586970.

ClinVar aggregate classification (germline): Conflicting classifications of pathogenicity. Review status: criteria provided, conflicting classifications (1 of 4 stars). 2 submissions from 2 submitters: Likely pathogenic (1); Uncertain significance (1). Last evaluated 2025-02-27.

Conditions:
Inborn genetic diseases. Identifiers: MedGen C0950123, MeSH D030342.
Solitary median maxillary central incisor syndrome. Also called: FUSED INCISORS; SINGLE CENTRAL MAXILLARY INCISOR; Solitary median maxillary central incisor; SMMCI SYNDROME; Single Central Incisor Syndrome. Identifiers: MedGen C1840235, MONDO:0007819, OMIM 147250, HP:0006315.

Allele frequency attached by ClinVar (database versions not stated): ExAC 0.00001.

Submissions (2):

Laboratory of Molecular Genetics, CHU Rennes
Classification: Likely pathogenic for Solitary median maxillary central incisor syndrome. Last evaluated: 2025-02-27. Review status: criteria provided, single submitter. Criteria: ACMG Guidelines, 2015. Collection method: clinical testing. Allele origin: maternal. Inheritance: Oligogenic inheritance. Affected: yes.
Comment: The NM_000193.4:c.587G>A, is a missense variant in SHH in the Hint domain (PM1), absent from controls (PM2), predicted pathogenic by prediction tools (PP3).

Ambry Genetics
Classification: Uncertain significance for Inborn genetic diseases. Last evaluated: 2024-01-18. Review status: criteria provided, single submitter. Criteria: Ambry Variant Classification Scheme 2023. Collection method: clinical testing. Allele origin: germline.
Comment: The c.587G>A (p.G196E) alteration is located in exon 3 (coding exon 3) of the SHH gene. This alteration results from a G to A substitution at nucleotide position 587, causing the glycine (G) at amino acid position 196 to be replaced by a glutamic acid (E). Based on data from gnomAD, the A allele has an overall frequency of <0.001% (1/226848) total alleles studied. The highest observed frequency was 0.003% (1/30274) of South Asian alleles. This variant was reported in an individual with features consistent with SHH-related holoprosencephaly spectrum (Roessler, 2009). This amino acid position is highly conserved in available vertebrate species. This alteration is predicted to be deleterious by in silico analysis. Based on insufficient or conflicting evidence, the clinical significance of this alteration remains unclear.

Literature cited by the submitters: PubMed 19603532 (cited by Ambry Genetics).